The following is an entry in ClinVar:

ClinVar aggregate classification (germline): Uncertain significance. Review status: criteria provided, multiple submitters, no conflicts (2 of 4 stars). 2 submissions from 2 submitters: Uncertain significance (2). Last evaluated 2023-10-21.

Conditions:
Birt-Hogg-Dube syndrome. Also called: Birt Hogg Dubé syndrome. Identifiers: Orphanet 122, MedGen C0346010, MONDO:0800444.
Hereditary cancer-predisposing syndrome. Also called: Hereditary neoplastic syndrome; Tumor predisposition; Neoplastic Syndromes, Hereditary; Hereditary Cancer Syndrome. Identifiers: Orphanet 140162, MedGen C0027672, MeSH D009386, MONDO:0015356.

Submissions (2):

Ambry Genetics
Classification: Uncertain significance for Hereditary cancer-predisposing syndrome. Last evaluated: 2023-10-21. Review status: criteria provided, single submitter. Criteria: Ambry Variant Classification Scheme 2023. Collection method: clinical testing. Allele origin: germline.
Comment: The p.G479S variant (also known as c.1435G>A), located in coding exon 10 of the FLCN gene, results from a G to A substitution at nucleotide position 1435. The glycine at codon 479 is replaced by serine, an amino acid with similar properties. This amino acid position is conserved. In addition, the in silico prediction for this alteration is inconclusive. Since supporting evidence is limited at this time, the clinical significance of this alteration remains unclear.

Labcorp Genetics (formerly Invitae), Labcorp
Classification: Uncertain significance for Birt-Hogg-Dube syndrome. Last evaluated: 2023-08-30. Review status: criteria provided, single submitter. Criteria: Invitae Variant Classification Sherloc (09022015). Collection method: clinical testing. Allele origin: germline.
Comment: This sequence change replaces glycine, which is neutral and non-polar, with serine, which is neutral and polar, at codon 479 of the FLCN protein (p.Gly479Ser). This variant is not present in population databases (gnomAD no frequency). This variant has not been reported in the literature in individuals affected with FLCN-related conditions. ClinVar contains an entry for this variant (Variation ID: 1719249). An algorithm developed to predict the effect of missense changes on protein structure and function (PolyPhen-2) suggests that this variant is likely to be disruptive. In summary, the available evidence is currently insufficient to determine the role of this variant in disease. Therefore, it has been classified as a Variant of Uncertain Significance.

NM_144997.7(FLCN):c.1435G>A (p.Gly479Ser)

Gene: FLCN (folliculin; minus strand). Cytogenetic location: 17p11.2.
Variant type: single nucleotide variant.
Coding change: c.1435G>A on transcript NM_144997.7 (MANE Select); coding-DNA position 1435, G replaced by A.
Protein change: p.Gly479Ser; replaces glycine 479 with serine.
Molecular consequence: missense variant.
Genome position (GRCh38, 1-based): chr17:17,215,088, C>T on the plus strand (G>A on the coding strand, the complement: FLCN is on the minus strand). VCF-style: chr17-17215088-C-T. GRCh37 (hg19) VCF-style: chr17-17118402-C-T.
Other names: c.1489G>A, p.Gly497Ser (NM_001353229.2); c.1435G>A, p.Gly479Ser (NM_001353230.2, NM_001353231.2); short protein forms G479S, G497S.
Identifiers: ClinVar variation 1719249 (VCV001719249.7), dbSNP rs1209069882, ClinGen allele CA398531031.
Genomic context (GRCh38, chr17:17,215,088, plus strand): 5'-CATCCACAGACAGGTTCTGGTTGGTCAGAGCCGCTTCAATCTTATTCAGGATGGTGGGGC[C>T]CACTGGGGAGAAGGGCAGGGGCAGAGCAAGGGCAGGCGTTAGCGCGGGGCGGGGGCATCT-3'
Protein context (NP_659434.2, residues 469-489): SGSPVAADRV[Gly479Ser]PTILNKIEAA